The following is an entry in ClinVar:

NM_001034853.2(RPGR):c.248-1G>T

Gene: RPGR (retinitis pigmentosa GTPase regulator; minus strand). Cytogenetic location: Xp11.4.
Variant type: single nucleotide variant.
Coding change: c.248-1G>T on transcript NM_001034853.2 (MANE Select); the canonical splice acceptor site of the intron before coding-DNA position 248, G replaced by T.
Molecular consequence: splice acceptor variant.
Genome position (GRCh38, 1-based): chrX:38,321,090, C>A on the plus strand (G>T on the coding strand, the complement: RPGR is on the minus strand). VCF-style: chrX-38321090-C-A. GRCh37 (hg19) VCF-style: chrX-38180343-C-A.
Other names: c.248-1G>T (NM_001367249.1, NM_001367250.1, NM_001367245.1 and 4 more transcripts); c.278-1G>T (NM_001367248.1).
Identifiers: ClinVar variation 2138545 (VCV002138545.4), dbSNP rs2519902491, ClinGen allele CA412745483.
Genomic context (GRCh38, chrX:38,321,090, plus strand): 5'-TTGACACCAGGGTGTGGTTCCTTCCACAGGCAGCTAATTTCACTTTTTCAGGTTTTAGAG[C>A]TAAAAATATTTAAAATGGGACAATTATTTTATAGCAATGAAAATGAACAGTAGTCCAGGA-3'

ClinVar aggregate classification (germline): Pathogenic (1 of 4 stars; one submission).

Conditions:
Primary ciliary dyskinesia. Also called: Ciliary dyskinesia. Identifiers: Orphanet 244, MedGen C0008780, MONDO:0016575, HP:0012265.

Submission:

Labcorp Genetics (formerly Invitae), Labcorp
Classification: Pathogenic for Primary ciliary dyskinesia. Last evaluated: 2024-10-22. Review status: criteria provided, single submitter. Criteria: Invitae Variant Classification Sherloc (09022015). Collection method: clinical testing. Allele origin: germline.
Comment: This sequence change affects an acceptor splice site in intron 3 of the RPGR gene. It is expected to disrupt RNA splicing. Variants that disrupt the donor or acceptor splice site typically lead to a loss of protein function (PMID: 16199547), and loss-of-function variants in RPGR are known to be pathogenic (PMID: 16055928, 16969763). This variant is not present in population databases (gnomAD no frequency). Disruption of this splice site has been observed in individuals with retinitis pigmentosa (PMID: 23847139, 33576794; internal data). ClinVar contains an entry for this variant (Variation ID: 2138545). Algorithms developed to predict the effect of sequence changes on RNA splicing suggest that this variant may disrupt the consensus splice site. For these reasons, this variant has been classified as Pathogenic.

Literature cited by the submitters: PubMed 16199547; PubMed 16055928; PubMed 16969763; PubMed 23847139; PubMed 33576794.